The following is an entry in ClinVar:

ClinVar aggregate classification (germline): Uncertain significance (1 of 4 stars; one submission).

Conditions:
Emery-Dreifuss muscular dystrophy 5, autosomal dominant (EDMD5). Also called: EMERY-DREIFUSS MUSCULAR DYSTROPHY 5. Identifiers: Orphanet 261, MedGen C2751805, MONDO:0013072, OMIM 612999.

Allele frequency attached by ClinVar (database versions not stated): TOPMed below 0.00001.
gnomAD v4.1: 3 of 1,613,972 alleles (0.00019%); highest among the groups gnomAD compares: Admixed American, 0.0017%; no homozygotes.

Submission:

Labcorp Genetics (formerly Invitae), Labcorp
Classification: Uncertain significance for Emery-Dreifuss muscular dystrophy 5, autosomal dominant. Last evaluated: 2022-10-18. Review status: criteria provided, single submitter. Criteria: Invitae Variant Classification Sherloc (09022015). Collection method: clinical testing. Allele origin: germline.
Comment: This sequence change replaces alanine, which is neutral and non-polar, with valine, which is neutral and non-polar, at codon 981 of the SYNE2 protein (p.Ala981Val). This variant is present in population databases (no rsID available, gnomAD 0.003%). This variant has not been reported in the literature in individuals affected with SYNE2-related conditions. ClinVar contains an entry for this variant (Variation ID: 1382863). Algorithms developed to predict the effect of missense changes on protein structure and function output the following: SIFT: "Deleterious"; PolyPhen-2: "Possibly Damaging"; Align-GVGD: "Class C0". The valine amino acid residue is found in multiple mammalian species, which suggests that this missense change does not adversely affect protein function. In summary, the available evidence is currently insufficient to determine the role of this variant in disease. Therefore, it has been classified as a Variant of Uncertain Significance.

NM_182914.3(SYNE2):c.2942C>T (p.Ala981Val)

Gene: SYNE2 (spectrin repeat containing nuclear envelope protein 2; plus strand). Cytogenetic location: 14q23.2.
Variant type: single nucleotide variant.
Coding change: c.2942C>T on transcript NM_182914.3 (MANE Select); coding-DNA position 2942, C replaced by T.
Protein change: p.Ala981Val; replaces alanine 981 with valine.
Molecular consequence: missense variant.
Genome position (GRCh38, 1-based): chr14:63,996,948, C>T. VCF-style: chr14-63996948-C-T. GRCh37 (hg19) VCF-style: chr14-64463666-C-T.
Other names: c.2942C>T, p.Ala981Val (NM_015180.6); short protein forms A981V.
Identifiers: ClinVar variation 1382863 (VCV001382863.6), dbSNP rs1466945953, ClinGen allele CA389986681.